The following is an entry in ClinVar:

ClinVar aggregate classification (germline): Uncertain significance. Review status: criteria provided, multiple submitters, no conflicts (2 of 4 stars). 2 submissions from 2 submitters: Uncertain significance (2). Last evaluated 2019-07-15.

Conditions:
Emery-Dreifuss muscular dystrophy 5, autosomal dominant (EDMD5). Also called: EMERY-DREIFUSS MUSCULAR DYSTROPHY 5. Identifiers: Orphanet 261, MedGen C2751805, MONDO:0013072, OMIM 612999.

Allele frequency attached by ClinVar (database versions not stated): gnomAD 0.00001; gnomAD exomes 0.00001 and 0.00004; TOPMed 0.00001; ESP Exome Variant Server 0.00017.
gnomAD v4.1: 60 of 1,613,608 alleles (0.0037%); highest among the groups gnomAD compares: Non-Finnish European, 0.0051%; no homozygotes.

Submissions (2):

Labcorp Genetics (formerly Invitae), Labcorp
Classification: Uncertain significance for Emery-Dreifuss muscular dystrophy 5, autosomal dominant. Last evaluated: 2019-07-15. Review status: criteria provided, single submitter. Criteria: Invitae Variant Classification Sherloc (09022015). Collection method: clinical testing. Allele origin: germline.
Comment: This sequence change replaces glutamic acid with lysine at codon 2433 of the SYNE2 protein (p.Glu2433Lys). The glutamic acid residue is weakly conserved and there is a small physicochemical difference between glutamic acid and lysine. In summary, the available evidence is currently insufficient to determine the role of this variant in disease. Therefore, it has been classified as a Variant of Uncertain Significance. Algorithms developed to predict the effect of missense changes on protein structure and function are either unavailable or do not agree on the potential impact of this missense change (SIFT: "Deleterious"; PolyPhen-2: "Probably Damaging"; Align-GVGD: "Class C0"). This variant has not been reported in the literature in individuals with SYNE2-related disease. ClinVar contains an entry for this variant (Variation ID: 284300). This variant is not present in population databases (ExAC no frequency).

Eurofins Ntd Llc (ga)
Classification: Uncertain significance. Last evaluated: 2015-11-23. Review status: criteria provided, single submitter. Criteria: EGL Classification Definitions 2015. Collection method: clinical testing. Allele origin: germline. Observed: 1 variant allele, 1 heterozygote.

NM_182914.3(SYNE2):c.7297G>A (p.Glu2433Lys)

Gene: SYNE2 (spectrin repeat containing nuclear envelope protein 2; plus strand). Cytogenetic location: 14q23.2.
Variant type: single nucleotide variant.
Coding change: c.7297G>A on transcript NM_182914.3 (MANE Select); coding-DNA position 7297, G replaced by A.
Protein change: p.Glu2433Lys; replaces glutamic acid 2433 with lysine.
Molecular consequence: missense variant.
Genome position (GRCh38, 1-based): chr14:64,048,075, G>A. VCF-style: chr14-64048075-G-A. GRCh37 (hg19) VCF-style: chr14-64514793-G-A.
Other names: c.7297G>A, p.Glu2433Lys (NM_015180.6); short protein forms E2433K.
Identifiers: ClinVar variation 284300 (VCV000284300.15), dbSNP rs376116911, ClinGen allele CA10604755.